The following is an entry in ClinVar:

ClinVar aggregate classification (germline): Uncertain significance (1 of 4 stars; one submission).

Conditions:
Intellectual disability, CASK-related, X-linked. Identifiers: MedGen CN043158.

Submission:

Labcorp Genetics (formerly Invitae), Labcorp
Classification: Uncertain significance for Intellectual disability, CASK-related, X-linked. Last evaluated: 2023-03-06. Review status: criteria provided, single submitter. Criteria: Invitae Variant Classification Sherloc (09022015). Collection method: clinical testing. Allele origin: germline.
Comment: In summary, the available evidence is currently insufficient to determine the role of this variant in disease. Therefore, it has been classified as a Variant of Uncertain Significance. Advanced modeling of protein sequence and biophysical properties (such as structural, functional, and spatial information, amino acid conservation, physicochemical variation, residue mobility, and thermodynamic stability) has been performed at Invitae for this missense variant, however the output from this modeling did not meet the statistical confidence thresholds required to predict the impact of this variant on CASK protein function. This variant has not been reported in the literature in individuals affected with CASK-related conditions. This variant is not present in population databases (gnomAD no frequency). This sequence change replaces glycine, which is neutral and non-polar, with arginine, which is basic and polar, at codon 181 of the CASK protein (p.Gly181Arg).

NM_001367721.1(CASK):c.541G>A (p.Gly181Arg)

Gene: CASK (calcium/calmodulin dependent serine protein kinase; minus strand). Cytogenetic location: Xp11.4.
Variant type: single nucleotide variant.
Coding change: c.541G>A on transcript NM_001367721.1 (MANE Select); coding-DNA position 541, G replaced by A.
Protein change: p.Gly181Arg; replaces glycine 181 with arginine.
Molecular consequence: missense variant.
Genome position (GRCh38, 1-based): chrX:41,665,444, C>T on the plus strand (G>A on the coding strand, the complement: CASK is on the minus strand). VCF-style: chrX-41665444-C-T. GRCh37 (hg19) VCF-style: chrX-41524697-C-T.
Other names: c.541G>A, p.Gly181Arg (NM_001126055.3, NM_001410745.1, NM_003688.4 and 1 more transcripts); short protein forms G181R.
Identifiers: ClinVar variation 2842218 (VCV002842218.3), dbSNP rs2519216366, ClinGen allele CA412998518.